The following is an entry in ClinVar:

ClinVar aggregate classification (germline): Uncertain significance (1 of 4 stars; one submission).

Submission:

Labcorp Genetics (formerly Invitae), Labcorp
Classification: Uncertain significance. Last evaluated: 2022-03-24. Review status: criteria provided, single submitter. Criteria: Invitae Variant Classification Sherloc (09022015). Collection method: clinical testing. Allele origin: germline.
Comment: In summary, the available evidence is currently insufficient to determine the role of this variant in disease. Therefore, it has been classified as a Variant of Uncertain Significance. Experimental studies and prediction algorithms are not available or were not evaluated, and the functional significance of this variant is currently unknown. This variant has not been reported in the literature in individuals affected with CTNNA1-related conditions. This variant results in a copy number gain of the genomic region encompassing exon(s) 2-6 of the CTNNA1 gene. This region includes the initiator codon of the gene. This copy number gain extends beyond the assayed region for this gene and therefore may encompass additional genes. As the precise location of this event is unknown, it may be in tandem or it may be located elsewhere in the genome.

NC_000005.9:g.(?_138117614)_(138160508_?)dup

Gene: CTNNA1 (catenin alpha 1; plus strand). Cytogenetic location: 5q31.2.
Variant type: Duplication.
Identifiers: ClinVar variation 2424308 (VCV002424308.4).